The following is an entry in ClinVar:

NM_001382347.1(MYO5A):c.2692C>T (p.Arg898Trp)

Gene: MYO5A (myosin VA; minus strand). Cytogenetic location: 15q21.2.
Variant type: single nucleotide variant.
Coding change: c.2692C>T on transcript NM_001382347.1 (MANE Select); coding-DNA position 2692, C replaced by T.
Protein change: p.Arg898Trp; replaces arginine 898 with tryptophan.
Molecular consequence: missense variant.
Genome position (GRCh38, 1-based): chr15:52,372,249, G>A on the plus strand (C>T on the coding strand, the complement: MYO5A is on the minus strand). VCF-style: chr15-52372249-G-A. GRCh37 (hg19) VCF-style: chr15-52664446-G-A.
Other names: c.2692C>T, p.Arg898Trp (NM_000259.3, NM_001142495.2, NM_001411135.1); c.2764C>T, p.Arg922Trp (NM_001382348.1, NM_001382349.1); short protein forms R898W, R922W.
Identifiers: ClinVar variation 2057105 (VCV002057105.4), dbSNP rs754463537, ClinGen allele CA7568624.
Genomic context (GRCh38, chr15:52,372,249, plus strand): 5'-AGCGCTCCACTGAGCGAGCCTCGATTTTGAGCTTCTTTAGCTCACGCTTGGCCATCATCC[G>A]CCTGAAGCAGCACTGAAGGTAGATGATGGCATGCATGCTCCTCTTGTAGTGTGTGCGGGC-3'
Protein context (NP_001369276.1, residues 888-908): AIIYLQCCFR[Arg898Trp]MMAKRELKKL

ClinVar aggregate classification (germline): Uncertain significance (1 of 4 stars; one submission).

Allele frequency attached by ClinVar (database versions not stated): gnomAD exomes below 0.00001.
gnomAD v4.1: 4 of 1,612,618 alleles (0.00025%); highest among the groups gnomAD compares: East Asian, 0.0022%; no homozygotes.

Submission:

Labcorp Genetics (formerly Invitae), Labcorp
Classification: Uncertain significance. Last evaluated: 2022-09-08. Review status: criteria provided, single submitter. Criteria: Invitae Variant Classification Sherloc (09022015). Collection method: clinical testing. Allele origin: germline.
Comment: In summary, the available evidence is currently insufficient to determine the role of this variant in disease. Therefore, it has been classified as a Variant of Uncertain Significance. Algorithms developed to predict the effect of missense changes on protein structure and function are either unavailable or do not agree on the potential impact of this missense change (SIFT: "Deleterious"; PolyPhen-2: "Probably Damaging"; Align-GVGD: "Class C0"). This variant has not been reported in the literature in individuals affected with MYO5A-related conditions. The frequency data for this variant in the population databases is considered unreliable, as metrics indicate poor data quality at this position in the gnomAD database. This sequence change replaces arginine, which is basic and polar, with tryptophan, which is neutral and slightly polar, at codon 898 of the MYO5A protein (p.Arg898Trp).